The following is an entry in ClinVar:

ClinVar aggregate classification (germline): Uncertain significance (1 of 4 stars; one submission).

Submission:

GeneDx
Classification: Uncertain significance. Last evaluated: 2026-01-27. Review status: criteria provided, single submitter. Criteria: GeneDx Variant Classification Process June 2021. Collection method: clinical testing. Allele origin: germline.
Comment: Not observed at significant frequency in large population cohorts (gnomAD); In silico analysis suggests that this missense variant does not alter protein structure/function; Has not been previously published as pathogenic or benign to our knowledge

NM_001394998.1(TANC2):c.5125A>G (p.Ser1709Gly)

Gene: TANC2 (tetratricopeptide repeat, ankyrin repeat and coiled-coil containing 2; plus strand). Cytogenetic location: 17q23.3.
Variant type: single nucleotide variant.
Coding change: c.5125A>G on transcript NM_001394998.1 (MANE Select); coding-DNA position 5125, A replaced by G.
Protein change: p.Ser1709Gly; replaces serine 1709 with glycine.
Molecular consequence: missense variant.
Genome position (GRCh38, 1-based): chr17:63,420,855, A>G. VCF-style: chr17-63420855-A-G. GRCh37 (hg19) VCF-style: chr17-61498216-A-G.
Other names: c.4903A>G, p.Ser1635Gly (NM_001411076.1); c.4873A>G, p.Ser1625Gly (NM_025185.4); short protein forms S1625G, S1635G, S1709G.
Identifiers: ClinVar variation 4975794 (VCV004975794.1).